The following is an entry in ClinVar:

NM_000057.4(BLM):c.1864T>G (p.Ser622Ala)

Gene: BLM (BLM RecQ like helicase; plus strand). Cytogenetic location: 15q26.1.
Variant type: single nucleotide variant.
Coding change: c.1864T>G on transcript NM_000057.4 (MANE Select); coding-DNA position 1864, T replaced by G.
Protein change: p.Ser622Ala; replaces serine 622 with alanine.
Molecular consequence: missense variant.
Genome position (GRCh38, 1-based): chr15:90,761,237, T>G. VCF-style: chr15-90761237-T-G. GRCh37 (hg19) VCF-style: chr15-91304467-T-G.
Other names: c.1864T>G, p.Ser622Ala (NM_001287246.2, NM_001287247.2); c.739T>G, p.Ser247Ala (NM_001287248.2); short protein forms S622A, S247A.
Identifiers: ClinVar variation 2586867 (VCV002586867.4), dbSNP rs1033751385, ClinGen allele CA393844009.
Genomic context (GRCh38, chr15:90,761,237, plus strand): 5'-TCAGCCAAGACAGACTGTCTTCCAGTGTCATCTACTGCTCAAAATATAAACTTCTCAGAG[T>G]CAATTCAGAATTATACTGGTAAGTTTAAAATAAATTGAATGCTTATATGAAAACAAAACT-3'
Protein context (NP_000048.1, residues 612-632): STAQNINFSE[Ser622Ala]IQNYTDKSAQ

ClinVar aggregate classification (germline): Uncertain significance. Review status: criteria provided, multiple submitters, no conflicts (2 of 4 stars). 2 submissions from 2 submitters: Uncertain significance (2). Last evaluated 2024-08-01.

Conditions:
Hereditary cancer-predisposing syndrome. Also called: Hereditary neoplastic syndrome; Tumor predisposition; Hereditary Cancer Syndrome; Neoplastic Syndromes, Hereditary. Identifiers: Orphanet 140162, MedGen C0027672, MeSH D009386, MONDO:0015356.
Bloom syndrome (BLM). Also called: Bloom-Torre-Machacek syndrome. Identifiers: Orphanet 125, MedGen C0005859, MONDO:0008876, OMIM 210900.

Submissions (2):

Labcorp Genetics (formerly Invitae), Labcorp
Classification: Uncertain significance for Bloom syndrome. Last evaluated: 2024-08-01. Review status: criteria provided, single submitter. Criteria: Invitae Variant Classification Sherloc (09022015). Collection method: clinical testing. Allele origin: germline.
Comment: This sequence change replaces serine, which is neutral and polar, with alanine, which is neutral and non-polar, at codon 622 of the BLM protein (p.Ser622Ala). This variant is not present in population databases (gnomAD no frequency). This variant has not been reported in the literature in individuals affected with BLM-related conditions. ClinVar contains an entry for this variant (Variation ID: 2586867). An algorithm developed to predict the effect of missense changes on protein structure and function (PolyPhen-2) suggests that this variant is likely to be tolerated. In summary, the available evidence is currently insufficient to determine the role of this variant in disease. Therefore, it has been classified as a Variant of Uncertain Significance.

Ambry Genetics
Classification: Uncertain significance for Hereditary cancer-predisposing syndrome. Last evaluated: 2023-06-24. Review status: criteria provided, single submitter. Criteria: Ambry Variant Classification Scheme 2023. Collection method: clinical testing. Allele origin: germline.
Comment: The p.S622A variant (also known as c.1864T>G), located in coding exon 6 of the BLM gene, results from a T to G substitution at nucleotide position 1864. The serine at codon 622 is replaced by alanine, an amino acid with similar properties. This amino acid position is conserved. In addition, this alteration is predicted to be tolerated by in silico analysis. Since supporting evidence is limited at this time, the clinical significance of this alteration remains unclear.